The following is an entry in ClinVar:

NM_000360.4(TH):c.1189G>A (p.Gly397Arg)

Gene: TH (tyrosine hydroxylase; minus strand). Cytogenetic location: 11p15.5.
Variant type: single nucleotide variant.
Coding change: c.1189G>A on transcript NM_000360.4 (MANE Select); coding-DNA position 1189, G replaced by A.
Protein change: p.Gly397Arg; replaces glycine 397 with arginine.
Molecular consequence: missense variant.
Genome position (GRCh38, 1-based): chr11:2,165,679, C>T on the plus strand (G>A on the coding strand, the complement: TH is on the minus strand). VCF-style: chr11-2165679-C-T. GRCh37 (hg19) VCF-style: chr11-2186909-C-T.
Other names: c.1282G>A, p.Gly428Arg (NM_199292.3); c.1270G>A, p.Gly424Arg (NM_199293.3); short protein forms G424R, G397R, G428R.
Identifiers: ClinVar variation 1452616 (VCV001452616.13), dbSNP rs1264884607, ClinGen allele CA379125601.
Genomic context (GRCh38, chr11:2,165,679, plus strand): 5'-CCCCAGCCCTGCCCCTCTGCTGGGGGCTGCAGCAAGGAGAGACTCTCACCAGGAGCTCCC[C>T]GTAGGAGGACAGCAGCCCGGCACCATAGGCCTTCACCTCCCCGTTCTGCTTACACAGCCC-3'
Protein context (NP_000351.2, residues 387-407): AYGAGLLSSY[Gly397Arg]ELLHCLSEEP

ClinVar aggregate classification (germline): Pathogenic/Likely pathogenic. Review status: criteria provided, multiple submitters, no conflicts (2 of 4 stars). 6 submissions from 6 submitters: Pathogenic (1); Likely pathogenic (5). Last evaluated 2025-01-14.

Conditions:
TH-deficient dopa-responsive dystonia. Also called: Tyrosine Hydroxylase-Deficient Dopa-Responsive Dystonia; Segawa syndrome, autosomal recessive; DYT-TH. Identifiers: Orphanet 101150, MedGen C2673535, MONDO:0011551, OMIM 605407.

Allele frequency attached by ClinVar (database versions not stated): gnomAD exomes below 0.00001 and 0.00002; TOPMed below 0.00001; gnomAD 0.00002.
gnomAD v4.1: 9 of 1,612,590 alleles (0.00056%); highest among the groups gnomAD compares: Admixed American, 0.005%; no homozygotes.

Submissions (6):

Myriad Genetics, Inc.
Classification: Likely pathogenic for TH-deficient dopa-responsive dystonia. Last evaluated: 2025-01-14. Review status: criteria provided, single submitter. Criteria: Myriad Autosomal Dominant, Autosomal Recessive and X-Linked Classification Criteria (2023). Collection method: clinical testing. Allele origin: unknown.
Comment: NM_199292.2(TH):c.1282G>A(G428R) is a missense variant classified as likely pathogenic in the context of tyrosine hydroxylase deficiency. G428R has been observed in cases with relevant disease (PMID: 28667724, 22815559, 37840187). Relevant functional assessments of this variant are available in the literature (PMID: 38084654). G428R has been observed in referenced population frequency databases. In summary, NM_199292.2(TH):c.1282G>A(G428R) is a missense variant that has functional support for pathogenicity and has been observed more frequently in cases with the relevant disease than in healthy populations. Please note: this variant was assessed in the context of healthy population screening.

Natera, Inc.
Classification: Likely pathogenic for Autosomal recessive Segawa syndrome. Last evaluated: 2024-07-04. Review status: criteria provided, single submitter. Criteria: Natera Variant Classification Schema (03/2026). Collection method: clinical testing. Allele origin: germline.
Comment: The c.1282G>A variant in TH is a missense variant predicted to cause substitution of glycine to arginine at amino acid 428. This variant is rare in the general population with a frequency below the threshold expected for the associated phenotype(s). This variant has been observed in one or more individuals affected with the associated recessive disease, as either homozygous or compound heterozygous with a second variant (PMID: 22815559, 28667724). Additionally, this variant has been observed to segregate in affected family members (PMID: 22815559, 28667724). Computational prediction algorithms indicate this variant is likely to affect gene or protein function. Given the available evidence, this variant is classified as Likely Pathogenic.

Fulgent Genetics
Classification: Likely pathogenic for TH-deficient dopa-responsive dystonia. Last evaluated: 2024-04-04. Review status: criteria provided, single submitter. Criteria: ACMG Guidelines, 2015. Collection method: clinical testing. Allele origin: germline.

Baylor Genetics
Classification: Likely pathogenic for TH-deficient dopa-responsive dystonia. Last evaluated: 2024-02-09. Review status: criteria provided, single submitter. Criteria: ACMG Guidelines, 2015. Collection method: clinical testing. Allele origin: unknown.

Labcorp Genetics (formerly Invitae), Labcorp
Classification: Pathogenic for TH-deficient dopa-responsive dystonia. Last evaluated: 2024-01-29. Review status: criteria provided, single submitter. Criteria: Invitae Variant Classification Sherloc (09022015). Collection method: clinical testing. Allele origin: germline.
Comment: This sequence change replaces glycine, which is neutral and non-polar, with arginine, which is basic and polar, at codon 428 of the TH protein (p.Gly428Arg). This variant is present in population databases (no rsID available, gnomAD 0.01%). This missense change has been observed in individual(s) with tyrosine hydroxylase deficiency (PMID: 22815559, 23762320, 28667724). In at least one individual the data is consistent with being in trans (on the opposite chromosome) from a pathogenic variant. It has also been observed to segregate with disease in related individuals. ClinVar contains an entry for this variant (Variation ID: 1452616). Advanced modeling of protein sequence and biophysical properties (such as structural, functional, and spatial information, amino acid conservation, physicochemical variation, residue mobility, and thermodynamic stability) has been performed at Invitae for this missense variant, however the output from this modeling did not meet the statistical confidence thresholds required to predict the impact of this variant on TH protein function. For these reasons, this variant has been classified as Pathogenic.

Women's Health and Genetics/Laboratory Corporation of America, LabCorp
Classification: Likely pathogenic for TH-deficient dopa-responsive dystonia. Last evaluated: 2022-10-04. Review status: criteria provided, single submitter. Criteria: LabCorp Variant Classification Summary - May 2015. Collection method: clinical testing. Allele origin: germline.
Comment: Variant summary: TH c.1282G>A (p.Gly428Arg) results in a non-conservative amino acid change located in the aromatic amino acid hydroxylase, C-terminal domain (IPR019774) of the encoded protein sequence. Five of five in-silico tools predict a damaging effect of the variant on protein function. The variant allele was found at a frequency of 2e-05 in 249264 control chromosomes (gnomAD). c.1282G>A has been reported in the literature in compound heterozygous and heterozygous individuals affected with autosomal recessive dopa-responsive dystonia (Segawa Syndrome), including at least two families in which it was found to segregate with the affected phenotype (e.g. Stamelou_2012, Cai_2013, Goswami_2017). These data indicate that the variant is likely to be associated with disease. To our knowledge, no experimental evidence demonstrating an impact on protein function has been reported. One clinical diagnostic laboratory has submitted a clinical-significance assessment for this variant to ClinVar after 2014 without evidence for independent evaluation and classified the variant as pathogenic. Based on the evidence outlined above, the variant was classified as likely pathogenic.

Literature cited by the submitters: PubMed 22815559 (cited by 4 submitters); PubMed 28667724 (cited by 4 submitters); PubMed 37840187 (cited by Myriad Genetics, Inc.); PubMed 38084654 (cited by Myriad Genetics, Inc.); PubMed 23762320 (cited by Labcorp Genetics (formerly Invitae), Labcorp and Women's Health and Genetics/Laboratory Corporation of America, LabCorp).